The following is an entry in ClinVar:

ClinVar aggregate classification (germline): Likely pathogenic. Review status: criteria provided, single submitter (1 of 4 stars). 2 submissions from 2 submitters: Likely pathogenic (1). 1 of the submissions does not count toward it. Last evaluated 2017-11-08.

Conditions:
Hereditary breast ovarian cancer syndrome. Also called: Hereditary breast and ovarian cancer syndrome (HBOC); Breast and ovarian cancer; BRCA1- and BRCA2-Associated Hereditary Breast and Ovarian Cancer; Hereditary breast and/or ovarian cancer syndrome; Hereditary breast and ovarian cancer; Hereditary breast and ovarian cancer syndrome. Identifiers: Orphanet 145, MedGen C0677776, MeSH D061325, MONDO:0003582. Disease mechanism: loss of function.
Malignant tumor of breast. Also called: Malignant breast neoplasm; Cancer breast. Identifiers: MedGen C0006142, MONDO:0007254. Disease mechanism: loss of function.

Submissions (2):

Labcorp Genetics (formerly Invitae), Labcorp
Classification: Likely pathogenic for Hereditary breast ovarian cancer syndrome. Last evaluated: 2017-11-08. Review status: criteria provided, single submitter. Criteria: Invitae Variant Classification Sherloc (09022015). Collection method: clinical testing. Allele origin: germline.
Comment: This variant has not been reported in the literature in individuals with BRCA1-related disease. ClinVar contains an entry for this variant (Variation ID: 433715). In summary, the currently available evidence indicates that the variant is pathogenic, but additional data are needed to prove that conclusively. Therefore, this variant has been classified as Likely Pathogenic. Donor and acceptor splice site variants typically lead to a loss of protein function (PMID: 16199547), and loss-of-function variants in BRCA1 are known to be pathogenic (PMID: 20104584). Algorithms developed to predict the effect of sequence changes on RNA splicing suggest that this variant may disrupt the consensus splice site, but this prediction has not been confirmed by published transcriptional studies. This variant is not present in population databases (ExAC no frequency). This sequence change affects an acceptor splice site in intron 13 of the BRCA1 gene. It is expected to disrupt RNA splicing and likely results in an absent or disrupted protein product.

Department of Pathology and Laboratory Medicine, Sinai Health System
Classification: Pathogenic for Malignant tumor of breast. Review status: no assertion criteria provided. Collection method: clinical testing. Allele origin: unknown. Affected: yes. Study: The Canadian Open Genetics Repository (COGR). Not counted in ClinVar's aggregate classification.
Comment: The c.4485-2A>T variant has not been previously reported in the literature. It is predicted to cause abnormal splicing because the nucleotide substitution occurs in the -2 position of the 5' splice site of the splice consensus sequence. Furthermore, in-silico or computational prediction software (SpliceSiteFinder, MaxEntScan, NNSPLICE, GeneSplicer, HumanSpliceFinder) predicts a greater than 10% difference in splicing in 5 of 5 different programs increasing the likelihood this variant causes abnormal splicing. In addition, another variant at this same position, different nucleotide change (c.4485-2A>G), has been previously reported in the HGMD and 7x in the BIC database as a clinically significant variant. In summary, based on the above information, this variant meets our laboratory's criteria to be classified as pathogenic.

Literature cited by the submitters: PubMed 16199547 (cited by Labcorp Genetics (formerly Invitae), Labcorp); PubMed 20104584 (cited by Labcorp Genetics (formerly Invitae), Labcorp).

NM_007294.4(BRCA1):c.4485-2A>T

Gene: BRCA1 (BRCA1 DNA repair associated; minus strand). Cytogenetic location: 17q21.31.
Variant type: single nucleotide variant.
Coding change: c.4485-2A>T on transcript NM_007294.4 (MANE Select); the canonical splice acceptor site of the intron before coding-DNA position 4485, A replaced by T.
Molecular consequence: splice acceptor variant. On other transcripts: intron variant (3).
Genome position (GRCh38, 1-based): chr17:43,074,523, T>A on the plus strand (A>T on the coding strand, the complement: BRCA1 is on the minus strand). VCF-style: chr17-43074523-T-A. GRCh37 (hg19) VCF-style: chr17-41226540-T-A.
Other names: c.4341-2A>T (NM_001407752.1, NM_001407944.1, NM_001407734.1 and 21 more transcripts); c.4344-2A>T (NM_001407730.1, NM_001407692.1, NM_001407729.1 and 13 more transcripts); c.4215-2A>T (NM_001407934.1, NM_001407935.1, NM_001407936.1); c.912-2A>T (NM_001408497.1, NM_001408496.1, NM_001408499.1 and 3 more transcripts); c.1176-2A>T (NM_001407973.1, NM_001407975.1, NM_001407978.1 and 3 more transcripts); c.4485-2A>T (NM_001407596.1, NM_001407602.1, NM_001407597.1 and 8 more transcripts); c.3597-2A>T (NM_001407966.1); c.4098-2A>T (NM_001407963.1); and 71 more.
Identifiers: ClinVar variation 433715 (VCV000433715.8), dbSNP rs80358054, ClinGen allele CA10592560.